The following is an entry in ClinVar:

ClinVar aggregate classification (germline): Conflicting classifications of pathogenicity. Review status: criteria provided, conflicting classifications (1 of 4 stars). 3 submissions from 3 submitters: Uncertain significance (2); Likely benign (1). Last evaluated 2026-06-30.

Conditions:
Ataxia-telangiectasia syndrome (AT). Also called: LOUIS-BAR SYNDROME; Cerebello-oculocutaneous telangiectasia; Immunodeficiency with ataxia telangiectasia; Ataxia-telangiectasia, complementation group E; Ataxia-telangiectasia, complementation group D; AT, COMPLEMENTATION GROUP C. Identifiers: Orphanet 100, MedGen C0004135, MONDO:0008840, OMIM 208900.
Hereditary cancer-predisposing syndrome. Also called: Hereditary neoplastic syndrome; Hereditary Cancer Syndrome; Neoplastic Syndromes, Hereditary; Tumor predisposition. Identifiers: Orphanet 140162, MedGen C0027672, MeSH D009386, MONDO:0015356.

Allele frequency attached by ClinVar (database versions not stated): gnomAD exomes below 0.00001.
gnomAD v4.1: 2 of 1,614,090 alleles (0.00012%); highest among the groups gnomAD compares: Non-Finnish European, 0.00017%; no homozygotes.

Submissions (3):

Ambry Genetics
Classification: Likely benign for Hereditary cancer-predisposing syndrome. Last evaluated: 2026-06-30. Review status: criteria provided, single submitter. Criteria: Ambry Variant Classification Scheme 2023. Collection method: clinical testing. Allele origin: germline.

Center for Genomic Medicine, Rigshospitalet, Copenhagen University Hospital
Classification: Uncertain significance. Last evaluated: 2025-03-04. Review status: criteria provided, single submitter. Criteria: ACMG Guidelines, 2015. Collection method: clinical testing. Allele origin: germline.

Labcorp Genetics (formerly Invitae), Labcorp
Classification: Uncertain significance for Ataxia-telangiectasia syndrome. Last evaluated: 2025-02-10. Review status: criteria provided, single submitter. Criteria: Invitae Variant Classification Sherloc (09022015). Collection method: clinical testing. Allele origin: germline.
Comment: This sequence change replaces aspartic acid, which is acidic and polar, with histidine, which is basic and polar, at codon 851 of the ATM protein (p.Asp851His). This variant is not present in population databases (gnomAD no frequency). This variant has not been reported in the literature in individuals affected with ATM-related conditions. ClinVar contains an entry for this variant (Variation ID: 2576398). Invitae Evidence Modeling of protein sequence and biophysical properties (such as structural, functional, and spatial information, amino acid conservation, physicochemical variation, residue mobility, and thermodynamic stability) indicates that this missense variant is not expected to disrupt ATM protein function with a negative predictive value of 95%. In summary, the available evidence is currently insufficient to determine the role of this variant in disease. Therefore, it has been classified as a Variant of Uncertain Significance.

NM_000051.4(ATM):c.2551G>C (p.Asp851His)

Gene: ATM (ATM serine/threonine kinase; plus strand). Cytogenetic location: 11q22.3.
Variant type: single nucleotide variant.
Coding change: c.2551G>C on transcript NM_000051.4 (MANE Select); coding-DNA position 2551, G replaced by C.
Protein change: p.Asp851His; replaces aspartic acid 851 with histidine.
Molecular consequence: missense variant.
Genome position (GRCh38, 1-based): chr11:108,267,255, G>C. VCF-style: chr11-108267255-G-C. GRCh37 (hg19) VCF-style: chr11-108137982-G-C.
Other names: c.2551G>C, p.Asp851His (NM_001351834.2); short protein forms D851H.
Identifiers: ClinVar variation 2576398 (VCV002576398.6), dbSNP rs1555082218, ClinGen allele CA382543720.